The following is an entry in ClinVar:

NM_003000.3(SDHB):c.72+4A>G

Genes: SDHB (succinate dehydrogenase complex iron sulfur subunit B; minus strand), LOC129929542 (ATAC-STARR-seq lymphoblastoid active region 277; plus strand). Cytogenetic location: 1p36.13.
Variant type: single nucleotide variant.
Coding change: c.72+4A>G on transcript NM_003000.3 (MANE Select); 4 bases into the intron after coding-DNA position 72, A replaced by G.
Molecular consequence: intron variant.
Genome position (GRCh38, 1-based): chr1:17,053,944, T>C on the plus strand (A>G on the coding strand, the complement: SDHB is on the minus strand). VCF-style: chr1-17053944-T-C. GRCh37 (hg19) VCF-style: chr1-17380439-T-C.
Identifiers: ClinVar variation 949301 (VCV000949301.9), dbSNP rs1228108598, ClinGen allele CA890985590.

ClinVar aggregate classification (germline): Uncertain significance. Review status: criteria provided, multiple submitters, no conflicts (2 of 4 stars). 2 submissions from 2 submitters: Uncertain significance (2). Last evaluated 2025-10-12.

Conditions:
Gastrointestinal stromal tumor. Also called: Gastrointestinal stromal tumor, somatic; Gastrointestinal stroma tumor. Identifiers: Orphanet 44890, MedGen C0238198, MeSH D046152, MONDO:0011719, OMIM 606764, HP:0100723.
Pheochromocytoma/paraganglioma syndrome 4. Also called: CAROTID BODY TUMORS AND MULTIPLE EXTRAADRENAL PHEOCHROMOCYTOMAS; SDHB-Related Hereditary Paraganglioma-Pheochromocytoma Syndrome; Paragangliomas 4; SDHB-Related Hereditary Paraganglioma-Pheochromocytoma Syndrome (Paragangliomas 4); PARAGANGLIOMA, FAMILIAL MALIGNANT; PARAGANGLIOMAS, HEREDITARY EXTRAADRENAL. Identifiers: Orphanet 29072, MedGen C1861848, MONDO:0007273, OMIM 115310.
Pheochromocytoma. Also called: MAX-Related Hereditary Paraganglioma-Pheochromocytoma Syndrome. Identifiers: Orphanet 29072, MedGen C0031511, MONDO:0008233, OMIM 171300, HP:0002666.
Hereditary cancer-predisposing syndrome. Also called: Hereditary neoplastic syndrome; Neoplastic Syndromes, Hereditary; Hereditary Cancer Syndrome; Tumor predisposition. Identifiers: Orphanet 140162, MedGen C0027672, MeSH D009386, MONDO:0015356.

Allele frequency attached by ClinVar (database versions not stated): TOPMed below 0.00001.
gnomAD v4.1: 1 of 1,611,304 alleles (0.000062%); no homozygotes.

Submissions (2):

Labcorp Genetics (formerly Invitae), Labcorp
Classification: Uncertain significance for Gastrointestinal stromal tumor; Pheochromocytoma/paraganglioma syndrome 4; Pheochromocytoma. Last evaluated: 2025-10-12. Review status: criteria provided, single submitter. Criteria: Invitae Variant Classification Sherloc (09022015). Collection method: clinical testing. Allele origin: germline.
Comment: This sequence change falls in intron 1 of the SDHB gene. It does not directly change the encoded amino acid sequence of the SDHB protein. It affects a nucleotide within the consensus splice site. This variant is not present in population databases (gnomAD no frequency). This variant has not been reported in the literature in individuals affected with SDHB-related conditions. ClinVar contains an entry for this variant (Variation ID: 949301). Variants that disrupt the consensus splice site are a relatively common cause of aberrant splicing (PMID: 17576681, 9536098). Algorithms developed to predict the effect of sequence changes on RNA splicing suggest that this variant may disrupt the consensus splice site. In summary, the available evidence is currently insufficient to determine the role of this variant in disease. Therefore, it has been classified as a Variant of Uncertain Significance.

Ambry Genetics
Classification: Uncertain significance for Hereditary cancer-predisposing syndrome. Last evaluated: 2023-09-26. Review status: criteria provided, single submitter. Criteria: Ambry Variant Classification Scheme 2023. Collection method: clinical testing. Allele origin: germline.
Comment: The c.72+4A>G intronic variant results from an A to G substitution 4 nucleotides after coding exon 1 in the SDHB gene. This nucleotide position is well conserved in available vertebrate species. In silico splice site analysis predicts that this alteration will not have any significant effect on splicing; however, direct evidence is insufficient at this time (Ambry internal data). Since supporting evidence is limited at this time, the clinical significance of this alteration remains unclear.

Literature cited by the submitters: PubMed 17576681 (cited by Labcorp Genetics (formerly Invitae), Labcorp); PubMed 9536098 (cited by Labcorp Genetics (formerly Invitae), Labcorp).